The following is an entry in ClinVar:

ClinVar aggregate classification (germline): Uncertain significance (1 of 4 stars; one submission).

Allele frequency attached by ClinVar (database versions not stated): TOPMed below 0.00001.

Submission:

Labcorp Genetics (formerly Invitae), Labcorp
Classification: Uncertain significance. Last evaluated: 2022-05-31. Review status: criteria provided, single submitter. Criteria: Invitae Variant Classification Sherloc (09022015). Collection method: clinical testing. Allele origin: germline.
Comment: This variant has not been reported in the literature in individuals affected with DUOX2-related conditions. Advanced modeling of protein sequence and biophysical properties (such as structural, functional, and spatial information, amino acid conservation, physicochemical variation, residue mobility, and thermodynamic stability) performed at Invitae indicates that this missense variant is expected to disrupt DUOX2 protein function. In summary, the available evidence is currently insufficient to determine the role of this variant in disease. Therefore, it has been classified as a Variant of Uncertain Significance. This sequence change replaces threonine, which is neutral and polar, with alanine, which is neutral and non-polar, at codon 1112 of the DUOX2 protein (p.Thr1112Ala). This variant is present in population databases (no rsID available, gnomAD 0.007%).

NM_001363711.2(DUOX2):c.3334A>G (p.Thr1112Ala)

Gene: DUOX2 (dual oxidase 2; minus strand). Cytogenetic location: 15q21.1.
Variant type: single nucleotide variant.
Coding change: c.3334A>G on transcript NM_001363711.2 (MANE Select); coding-DNA position 3334, A replaced by G.
Protein change: p.Thr1112Ala; replaces threonine 1112 with alanine.
Molecular consequence: missense variant.
Genome position (GRCh38, 1-based): chr15:45,099,743, T>C on the plus strand (A>G on the coding strand, the complement: DUOX2 is on the minus strand). VCF-style: chr15-45099743-T-C. GRCh37 (hg19) VCF-style: chr15-45391941-T-C.
Other names: c.3334A>G, p.Thr1112Ala (NM_014080.5); short protein forms T1112A.
Identifiers: ClinVar variation 2080329 (VCV002080329.4), dbSNP rs1216847412, ClinGen allele CA392260184.